The following is an entry in ClinVar:

NM_004646.4(NPHS1):c.320C>A (p.Ala107Glu)

Gene: NPHS1 (NPHS1 adhesion molecule, nephrin; minus strand). Cytogenetic location: 19q13.12.
Variant type: single nucleotide variant.
Coding change: c.320C>A on transcript NM_004646.4 (MANE Select); coding-DNA position 320, C replaced by A.
Protein change: p.Ala107Glu; replaces alanine 107 with glutamic acid.
Molecular consequence: missense variant.
Genome position (GRCh38, 1-based): chr19:35,851,339, G>T on the plus strand (C>A on the coding strand, the complement: NPHS1 is on the minus strand). VCF-style: chr19-35851339-G-T. GRCh37 (hg19) VCF-style: chr19-36342241-G-T.
Other names: short protein forms A107E.
Identifiers: ClinVar variation 555611 (VCV000555611.5), dbSNP rs386833934, ClinGen allele CA405410912.

ClinVar aggregate classification (germline): Uncertain significance. Review status: criteria provided, single submitter (1 of 4 stars). 2 submissions from 2 submitters: Uncertain significance (1). 1 of the submissions does not count toward it. Last evaluated 2023-01-04.

Conditions:
Finnish congenital nephrotic syndrome (NPHS1). Also called: NEPHROTIC SYNDROME, TYPE 1. Identifiers: Orphanet 839, MedGen C0403399, MONDO:0009732, OMIM 256300.

Allele frequency attached by ClinVar (database versions not stated): TOPMed below 0.00001.
gnomAD v4.1: 1 of 1,613,754 alleles (0.000062%); highest among the groups gnomAD compares: Non-Finnish European, 0.000085%; no homozygotes.

Submissions (2):

Women's Health and Genetics/Laboratory Corporation of America, LabCorp
Classification: Uncertain significance. Last evaluated: 2023-01-04. Review status: criteria provided, single submitter. Criteria: LabCorp Variant Classification Summary - May 2015. Collection method: clinical testing. Allele origin: germline.
Comment: Variant summary: NPHS1 c.320C>A (p.Ala107Glu) results in a non-conservative amino acid change located in the Immunoglobulin subtype 2 domain of the encoded protein sequence. Four of five in-silico tools predict a damaging effect of the variant on protein function. The variant was absent in 249102 control chromosomes. The available data on variant occurrences in the general population are insufficient to allow any conclusion about variant significance. c.320C>A has been reported in the literature in an individual affected with Nephrotic Syndrome along with a reported pathogenic variant (Buscher_2010). To our knowledge, no experimental evidence demonstrating an impact on protein function has been reported. Two other variants affecting the same codon have been reported in HGMD in association with Nephrotic syndrome (p.A107T, p.A107V). One clinical diagnostic laboratory has submitted clinical-significance assessments for this variant to ClinVar after 2014 without evidence for independent evaluation. One laboratory classified the variant as uncertain significance. Based on the evidence outlined above, the variant was classified as VUS - possibly pathogenic variant.

Counsyl
Classification: Uncertain significance for Finnish congenital nephrotic syndrome. Last evaluated: 2017-12-14. Review status: no assertion criteria provided. Collection method: clinical testing. Allele origin: unknown. Not counted in ClinVar's aggregate classification.

Literature cited by the submitters: PubMed 20798252 (cited by Women's Health and Genetics/Laboratory Corporation of America, LabCorp and Counsyl); PubMed 26668027 (cited by Women's Health and Genetics/Laboratory Corporation of America, LabCorp).